The following is an entry in ClinVar:

NM_001267550.2(TTN):c.85119G>T (p.Glu28373Asp)

Genes: TTN (titin; minus strand), TTN-AS1 (TTN antisense RNA 1; plus strand). Cytogenetic location: 2q31.2.
Variant type: single nucleotide variant.
Coding change: c.85119G>T on transcript NM_001267550.2 (MANE Select); coding-DNA position 85119, G replaced by T.
Protein change: p.Glu28373Asp; replaces glutamic acid 28373 with aspartic acid.
Molecular consequence: missense variant.
Genome position (GRCh38, 1-based): chr2:178,561,013, C>A on the plus strand (G>T on the coding strand, the complement: TTN is on the minus strand). VCF-style: chr2-178561013-C-A. GRCh37 (hg19) VCF-style: chr2-179425740-C-A.
Other names: c.80196G>T, p.Glu26732Asp (NM_001256850.1); c.57924G>T, p.Glu19308Asp (NM_003319.4); c.77415G>T, p.Glu25805Asp (NM_133378.4); c.58299G>T, p.Glu19433Asp (NM_133432.3); c.58500G>T, p.Glu19500Asp (NM_133437.4); c.85119G>T (NM_001267550.1); short protein forms E28373D, E19433D, E19500D, E26732D, E25805D, E19308D.
Identifiers: ClinVar variation 535294 (VCV000535294.7), dbSNP rs770787056, ClinGen allele CA1988692.
Genomic context (GRCh38, chr2:178,561,013, plus strand): 5'-CTTGGCCCAGGAAATTACTGGCAGAGGTCGCCCTGCAATGTCTGCATTTATCTTAAGGAC[C>A]TCTCCAGCTTTGACAACAATAACGTCTCGGAACTTGACATCCATCATAACTCTTGGAGGC-3'
Protein context (NP_001254479.2, residues 28363-28383): FRDVIVVKAG[Glu28373Asp]VLKINADIAG

ClinVar aggregate classification (germline): Conflicting classifications of pathogenicity. Review status: criteria provided, conflicting classifications (1 of 4 stars). 5 submissions from 5 submitters: Uncertain significance (4); Likely benign (1). Last evaluated 2025-03-25.

Conditions:
Dilated cardiomyopathy 1G (CMD1G). Identifiers: Orphanet 154, MedGen C1858763, MONDO:0011400, OMIM 604145.
Myopathy, myofibrillar, 9, with early respiratory failure (MFM9). Also called: Hereditary myopathy with early respiratory failure; MYOPATHY, PROXIMAL, WITH EARLY RESPIRATORY MUSCLE INVOLVEMENT; Myopathy, distal, with early respiratory failure, autosomal dominant; EDSTROM MYOPATHY. Identifiers: Orphanet 178464, Orphanet 34521, MedGen C1863599, MONDO:0011362, OMIM 603689.
Early-onset myopathy with fatal cardiomyopathy (CMYO5). Also called: CONGENITAL MYOPATHY 5 WITH CARDIOMYOPATHY; Salih Myopathy. Identifiers: Orphanet 289377, MedGen C2673677, MONDO:0012714, OMIM 611705. Disease mechanism: loss of function.
Autosomal recessive limb-girdle muscular dystrophy type 2J (LGMDR10). Also called: Limb-girdle muscular dystrophy, type 2J; MUSCULAR DYSTROPHY, LIMB-GIRDLE, AUTOSOMAL RECESSIVE 10. Identifiers: Orphanet 140922, MedGen C1837342, MONDO:0012127, OMIM 608807.
Tibial muscular dystrophy (TMD). Also called: UDD MYOPATHY; Udd Distal Myopathy – Tibial Muscular Dystrophy; Tibial muscular dystrophy, tardive. Identifiers: Orphanet 609, MedGen C1838244, MONDO:0010870, OMIM 600334.
Hypertrophic cardiomyopathy 9. Also called: Familial hypertrophic cardiomyopathy 9. Identifiers: MedGen C1861065, MONDO:0013412, OMIM 613765.

Allele frequency attached by ClinVar (database versions not stated): gnomAD 0.00001 and 0.00002; gnomAD exomes 0.00002; TOPMed 0.00002; ExAC 0.00004.
gnomAD v4.1: 29 of 1,613,708 alleles (0.0018%); highest among the groups gnomAD compares: Non-Finnish European, 0.0023%; no homozygotes.

Submissions (5):

Revvity Omics, Revvity
Classification: Uncertain significance. Last evaluated: 2025-03-25. Review status: criteria provided, single submitter. Criteria: ACMG Guidelines, 2015. Collection method: clinical testing. Allele origin: germline.

Blueprint Genetics
Classification: Likely benign. Last evaluated: 2024-08-12. Review status: criteria provided, single submitter. Criteria: ACMG Guidelines, 2015. Collection method: clinical testing. Allele origin: germline.

Athena Diagnostics
Classification: Uncertain significance. Last evaluated: 2024-03-29. Review status: criteria provided, single submitter. Criteria: Athena Diagnostics Criteria. Collection method: clinical testing. Allele origin: unknown.
Comment: Available data are insufficient to determine the clinical significance of the variant at this time. The frequency of this variant in the general population is uninformative in assessment of its pathogenicity. Computational tools disagree on the variant's effect on normal protein function.

Fulgent Genetics
Classification: Uncertain significance for Tibial muscular dystrophy; Myopathy, myofibrillar, 9, with early respiratory failure; Dilated cardiomyopathy 1G; Autosomal recessive limb-girdle muscular dystrophy type 2J; Early-onset myopathy with fatal cardiomyopathy; Hypertrophic cardiomyopathy 9. Last evaluated: 2021-09-14. Review status: criteria provided, single submitter. Criteria: ACMG Guidelines, 2015. Collection method: clinical testing. Allele origin: unknown.

Labcorp Genetics (formerly Invitae), Labcorp
Classification: Uncertain significance for Dilated cardiomyopathy 1G; Autosomal recessive limb-girdle muscular dystrophy type 2J. Last evaluated: 2017-09-05. Review status: criteria provided, single submitter. Criteria: Invitae Variant Classification Sherloc (09022015). Collection method: clinical testing. Allele origin: germline.